The following is an entry in ClinVar:

ClinVar aggregate classification (germline): Uncertain significance (1 of 4 stars; one submission).

gnomAD v4.1: 9 of 1,597,898 alleles (0.00056%); highest among the groups gnomAD compares: Non-Finnish European, 0.00077%; no homozygotes.

Submission:

Labcorp Genetics (formerly Invitae), Labcorp
Classification: Uncertain significance. Last evaluated: 2024-06-19. Review status: criteria provided, single submitter. Criteria: Invitae Variant Classification Sherloc (09022015). Collection method: clinical testing. Allele origin: germline.
Comment: This sequence change replaces proline, which is neutral and non-polar, with leucine, which is neutral and non-polar, at codon 679 of the STAT4 protein (p.Pro679Leu). This variant is present in population databases (no rsID available, gnomAD 0.0009%). This variant has not been reported in the literature in individuals affected with STAT4-related conditions. Advanced modeling of protein sequence and biophysical properties (such as structural, functional, and spatial information, amino acid conservation, physicochemical variation, residue mobility, and thermodynamic stability) performed at Invitae indicates that this missense variant is not expected to disrupt STAT4 protein function with a negative predictive value of 80%. In summary, the available evidence is currently insufficient to determine the role of this variant in disease. Therefore, it has been classified as a Variant of Uncertain Significance.

NM_003151.4(STAT4):c.2036C>T (p.Pro679Leu)

Gene: STAT4 (signal transducer and activator of transcription 4; minus strand). Cytogenetic location: 2q32.2.
Variant type: single nucleotide variant.
Coding change: c.2036C>T on transcript NM_003151.4 (MANE Select); coding-DNA position 2036, C replaced by T.
Protein change: p.Pro679Leu; replaces proline 679 with leucine.
Molecular consequence: missense variant.
Genome position (GRCh38, 1-based): chr2:191,032,966, G>A on the plus strand (C>T on the coding strand, the complement: STAT4 is on the minus strand). VCF-style: chr2-191032966-G-A. GRCh37 (hg19) VCF-style: chr2-191897692-G-A.
Other names: c.2036C>T, p.Pro679Leu (NM_001243835.2); short protein forms P679L.
Identifiers: ClinVar variation 3669407 (VCV003669407.2).